The following is an entry in ClinVar:

ClinVar aggregate classification (germline): Uncertain significance. Review status: criteria provided, multiple submitters, no conflicts (2 of 4 stars). 3 submissions from 3 submitters: Uncertain significance (2). 1 of the submissions does not count toward it. Last evaluated 2022-05-25.

Conditions:
Inborn genetic diseases. Identifiers: MedGen C0950123, MeSH D030342.
Methylmalonic acidemia (MMA). Also called: Isolated Methylmalonic Acidemia. Identifiers: MedGen C0268583, MeSH C537358, MONDO:0002012, HP:0002912.
Combined malonic and methylmalonic acidemia. Identifiers: Orphanet 289504, MedGen C3280314, MONDO:0013661, OMIM 614265.

Allele frequency attached by ClinVar (database versions not stated): gnomAD 0.00001 and 0.00002; gnomAD exomes 0.00001; ExAC 0.00002; TOPMed 0.00003; ESP Exome Variant Server 0.00015.
gnomAD v4.1: 10 of 1,613,012 alleles (0.00062%); highest among the groups gnomAD compares: Middle Eastern, 0.016%; no homozygotes.

Submissions (3):

Ambry Genetics
Classification: Uncertain significance for Inborn genetic diseases. Last evaluated: 2022-05-25. Review status: criteria provided, single submitter. Criteria: Ambry Variant Classification Scheme 2023. Collection method: clinical testing. Allele origin: germline.

Baylor Genetics
Classification: Uncertain significance for Combined malonic and methylmalonic acidemia. Last evaluated: 2018-12-07. Review status: criteria provided, single submitter. Criteria: ACMG Guidelines, 2015. Collection method: clinical testing. Allele origin: maternal. Affected: yes.
Comment: This variant was determined to be of uncertain significance according to ACMG Guidelines, 2015 [PMID:25741868].

Natera, Inc.
Classification: Uncertain significance for Methylmalonic acidemia. Last evaluated: 2020-05-01. Review status: no assertion criteria provided. Collection method: clinical testing. Allele origin: germline. Not counted in ClinVar's aggregate classification.

NM_001243279.3(ACSF3):c.1096G>A (p.Gly366Arg)

Genes: ACSF3 (acyl-CoA synthetase family member 3; plus strand), LOC125177393 (P300/CBP strongly-dependent group 1 enhancer GRCh37_chr16:89180375-89181574; plus strand). Cytogenetic location: 16q24.3.
Variant type: single nucleotide variant.
Coding change: c.1096G>A on transcript NM_001243279.3 (MANE Select); coding-DNA position 1096, G replaced by A.
Protein change: p.Gly366Arg; replaces glycine 366 with arginine.
Molecular consequence: missense variant. On other transcripts: non-coding transcript variant (2).
Genome position (GRCh38, 1-based): chr16:89,114,457, G>A. VCF-style: chr16-89114457-G-A. GRCh37 (hg19) VCF-style: chr16-89180865-G-A.
Other names: c.1096G>A, p.Gly366Arg (NM_001127214.4, NM_174917.5); c.301G>A, p.Gly101Arg (NM_001284316.2); short protein forms G101R, G366R.
Identifiers: ClinVar variation 991086 (VCV000991086.5), dbSNP rs142288136, ClinGen allele CA8237963.